The following is an entry in ClinVar:

ClinVar aggregate classification (germline): Uncertain significance (1 of 4 stars; one submission).

Conditions:
Legius syndrome. Identifiers: Orphanet 137605, MedGen C1969623, MONDO:0012669, OMIM 611431. Disease mechanism: loss of function.

gnomAD v4.1: 1 of 1,613,882 alleles (0.000062%); no homozygotes.

Submission:

Labcorp Genetics (formerly Invitae), Labcorp
Classification: Uncertain significance for Legius syndrome. Last evaluated: 2025-01-02. Review status: criteria provided, single submitter. Criteria: Invitae Variant Classification Sherloc (09022015). Collection method: clinical testing. Allele origin: germline.
Comment: This sequence change replaces lysine, which is basic and polar, with arginine, which is basic and polar, at codon 84 of the SPRED1 protein (p.Lys84Arg). This variant is not present in population databases (gnomAD no frequency). This variant has not been reported in the literature in individuals affected with SPRED1-related conditions. Invitae Evidence Modeling of protein sequence and biophysical properties (such as structural, functional, and spatial information, amino acid conservation, physicochemical variation, residue mobility, and thermodynamic stability) indicates that this missense variant is not expected to disrupt SPRED1 protein function with a negative predictive value of 80%. Algorithms developed to predict the effect of sequence changes on RNA splicing suggest that this variant may disrupt the consensus splice site. In summary, the available evidence is currently insufficient to determine the role of this variant in disease. Therefore, it has been classified as a Variant of Uncertain Significance.

NM_152594.3(SPRED1):c.251A>G (p.Lys84Arg)

Gene: SPRED1 (sprouty related EVH1 domain containing 1; plus strand). Cytogenetic location: 15q14.
Variant type: single nucleotide variant.
Coding change: c.251A>G on transcript NM_152594.3 (MANE Select); coding-DNA position 251, A replaced by G.
Protein change: p.Lys84Arg; replaces lysine 84 with arginine.
Molecular consequence: missense variant.
Genome position (GRCh38, 1-based): chr15:38,322,284, A>G. VCF-style: chr15-38322284-A-G. GRCh37 (hg19) VCF-style: chr15-38614485-A-G.
Other names: short protein forms K84R.
Identifiers: ClinVar variation 3658431 (VCV003658431.2).